The following is an entry in ClinVar:

ClinVar aggregate classification (germline): Uncertain significance (1 of 4 stars; one submission).

Conditions:
Dilated cardiomyopathy 1JJ (CMD1JJ). Identifiers: Orphanet 154, MedGen C3808935, MONDO:0014095, OMIM 615235.

Allele frequency attached by ClinVar (database versions not stated): gnomAD exomes below 0.00001; ExAC 0.00001.
gnomAD v4.1: 1 of 1,613,462 alleles (0.000062%); highest among the groups gnomAD compares: Non-Finnish European, 0.000085%; no homozygotes.

Submission:

Labcorp Genetics (formerly Invitae), Labcorp
Classification: Uncertain significance for Dilated cardiomyopathy 1JJ. Last evaluated: 2025-04-14. Review status: criteria provided, single submitter. Criteria: Invitae Variant Classification Sherloc (09022015). Collection method: clinical testing. Allele origin: germline.
Comment: This sequence change replaces valine, which is neutral and non-polar, with alanine, which is neutral and non-polar, at codon 1691 of the LAMA4 protein (p.Val1691Ala). This variant is present in population databases (rs782417407, gnomAD 0.0009%). This variant has not been reported in the literature in individuals affected with LAMA4-related conditions. ClinVar contains an entry for this variant (Variation ID: 1035567). Invitae Evidence Modeling of protein sequence and biophysical properties (such as structural, functional, and spatial information, amino acid conservation, physicochemical variation, residue mobility, and thermodynamic stability) indicates that this missense variant is not expected to disrupt LAMA4 protein function with a negative predictive value of 80%. In summary, the available evidence is currently insufficient to determine the role of this variant in disease. Therefore, it has been classified as a Variant of Uncertain Significance.

NM_001105206.3(LAMA4):c.5093T>C (p.Val1698Ala)

Gene: LAMA4 (laminin subunit alpha 4; minus strand). Cytogenetic location: 6q21.
Variant type: single nucleotide variant.
Coding change: c.5093T>C on transcript NM_001105206.3 (MANE Select); coding-DNA position 5093, T replaced by C.
Protein change: p.Val1698Ala; replaces valine 1698 with alanine.
Molecular consequence: missense variant.
Genome position (GRCh38, 1-based): chr6:112,115,882, A>G on the plus strand (T>C on the coding strand, the complement: LAMA4 is on the minus strand). VCF-style: chr6-112115882-A-G. GRCh37 (hg19) VCF-style: chr6-112437085-A-G.
Other names: c.5072T>C, p.Val1691Ala (NM_001105207.3, NM_002290.5); short protein forms V1691A, V1698A.
Identifiers: ClinVar variation 1035567 (VCV001035567.8), dbSNP rs782417407, ClinGen allele CA3964827.